The following is an entry in ClinVar:

NM_000346.4(SOX9):c.686-9T>C

Gene: SOX9 (SRY-box transcription factor 9; plus strand). Cytogenetic location: 17q24.3.
Variant type: single nucleotide variant.
Coding change: c.686-9T>C on transcript NM_000346.4 (MANE Select); 9 bases into the intron before coding-DNA position 686, T replaced by C.
Molecular consequence: intron variant.
Genome position (GRCh38, 1-based): chr17:72,123,534, T>C. VCF-style: chr17-72123534-T-C. GRCh37 (hg19) VCF-style: chr17-70119675-T-C.
Other names: c.686-9T>C (NM_000346.3).
Identifiers: ClinVar variation 1143565 (VCV001143565.12), dbSNP rs145818235, ClinGen allele CA8739008.

ClinVar aggregate classification (germline): Likely benign. Review status: criteria provided, multiple submitters, no conflicts (2 of 4 stars). 3 submissions from 3 submitters: Likely benign (2). 1 of the submissions does not count toward it. Last evaluated 2025-11-11.

Conditions:
SOX9-related disorder. Also called: SOX9-related condition.
Camptomelic dysplasia (CMPD). Also called: CMPD1/SRA1; Campomelic Dysplasia. Identifiers: Orphanet 140, MedGen C1861922, MONDO:0007251, OMIM 114290.

Allele frequency attached by ClinVar (database versions not stated): gnomAD exomes 0.00004 and 0.00010; ExAC 0.00006; gnomAD 0.00006; TOPMed 0.00006; ESP Exome Variant Server 0.00008; 1000 Genomes Project 0.00020.

Submissions (3):

Labcorp Genetics (formerly Invitae), Labcorp
Classification: Likely benign for Camptomelic dysplasia. Last evaluated: 2025-11-11. Review status: criteria provided, single submitter. Criteria: Invitae Variant Classification Sherloc (09022015). Collection method: clinical testing. Allele origin: germline.

Blueprint Genetics
Classification: Likely benign. Last evaluated: 2020-07-08. Review status: criteria provided, single submitter. Criteria: ACMG Guidelines, 2015. Collection method: clinical testing. Allele origin: germline.

PreventionGenetics, part of Exact Sciences
Classification: Likely benign for SOX9-related condition. Last evaluated: 2019-11-27. Review status: no assertion criteria provided. Collection method: clinical testing. Allele origin: germline. Not counted in ClinVar's aggregate classification.
Comment: This variant is classified as likely benign based on ACMG/AMP sequence variant interpretation guidelines (Richards et al. 2015 PMID: 25741868, with internal and published modifications).